The following is an entry in ClinVar:

NM_001082486.2(ACD):c.493+3A>T

Gene: ACD (ACD shelterin complex subunit and telomerase recruitment factor; minus strand). Cytogenetic location: 16q22.1.
Variant type: single nucleotide variant.
Coding change: c.493+3A>T on transcript NM_001082486.2 (MANE Select); 3 bases into the intron after coding-DNA position 493, A replaced by T.
Molecular consequence: intron variant.
Genome position (GRCh38, 1-based): chr16:67,659,226, T>A on the plus strand (A>T on the coding strand, the complement: ACD is on the minus strand). VCF-style: chr16-67659226-T-A. GRCh37 (hg19) VCF-style: chr16-67693129-T-A.
Other names: c.484+3A>T (NM_022914.3); c.493+3A>T (NM_001410884.1).
Identifiers: ClinVar variation 4724216 (VCV004724216.1).

ClinVar aggregate classification (germline): Uncertain significance (1 of 4 stars; one submission).

Conditions:
Dyskeratosis congenita, autosomal dominant 6 (DKCA6). Identifiers: Orphanet 3322, MedGen C4225284, MONDO:0014690, OMIM 616553.

Submission:

Labcorp Genetics (formerly Invitae), Labcorp
Classification: Uncertain significance for Dyskeratosis congenita, autosomal dominant 6. Last evaluated: 2025-07-29. Review status: criteria provided, single submitter. Criteria: Invitae Variant Classification Sherloc (09022015). Collection method: clinical testing. Allele origin: germline.
Comment: This sequence change falls in intron 6 of the ACD gene. It does not directly change the encoded amino acid sequence of the ACD protein. It affects a nucleotide within the consensus splice site. This variant is not present in population databases (gnomAD no frequency). This variant has not been reported in the literature in individuals affected with ACD-related conditions. Variants that disrupt the consensus splice site are a relatively common cause of aberrant splicing (PMID: 17576681, 9536098). Algorithms developed to predict the effect of sequence changes on RNA splicing suggest that this variant may disrupt the consensus splice site. In summary, the available evidence is currently insufficient to determine the role of this variant in disease. Therefore, it has been classified as a Variant of Uncertain Significance.

Literature cited by the submitters: PubMed 17576681; PubMed 9536098.